The following is an entry in ClinVar:

ClinVar aggregate classification (germline): Conflicting classifications of pathogenicity. Review status: criteria provided, conflicting classifications (1 of 4 stars). 6 submissions from 6 submitters: Uncertain significance (3); Likely benign (3). Last evaluated 2025-09-09.

Conditions:
Ataxia-pancytopenia syndrome (ATXPC). Also called: SAMD9L-Related Syndrome; SAMD9L Ataxia-Pancytopenia Syndrome. Identifiers: Orphanet 2585, MedGen C1327919, MONDO:0008038, OMIM 159550.
Inborn genetic diseases. Identifiers: MedGen C0950123, MeSH D030342.

Allele frequency attached by ClinVar (database versions not stated): gnomAD 0.00002; gnomAD exomes 0.00007 and 0.00014; TOPMed 0.00008; ExAC 0.00015.
gnomAD v4.1: 43 of 1,613,702 alleles (0.0027%); highest among the groups gnomAD compares: Admixed American, 0.072%; no homozygotes.

Submissions (6):

Labcorp Genetics (formerly Invitae), Labcorp
Classification: Likely benign. Last evaluated: 2025-09-09. Review status: criteria provided, single submitter. Criteria: Invitae Variant Classification Sherloc (09022015). Collection method: clinical testing. Allele origin: germline.

Ambry Genetics
Classification: Likely benign for Inborn genetic diseases. Last evaluated: 2024-11-26. Review status: criteria provided, single submitter. Criteria: Ambry Variant Classification Scheme 2023. Collection method: clinical testing. Allele origin: germline.

St. Jude Molecular Pathology, St. Jude Children's Research Hospital
Classification: Uncertain significance for Ataxia-pancytopenia syndrome. Last evaluated: 2023-03-14. Review status: criteria provided, single submitter. Criteria: St. Jude Assertion Criteria 2020. Collection method: clinical testing. Allele origin: germline.
Comment: The SAMD9L c.2387T>G (p.Ile796Ser) missense change has a maximum subpopulation frequency of 0.10% in gnomAD v2.1.1. The in silico tool REVEL is inconclusive about a pathogenic or benign effect of this variant on protein function, and to our knowledge functional studies have not been performed. In silico predictions have not been found to correlate with syndromic risk and are not considered supporting evidence of a pathogenic or benign effect (PMID: 34621053). To our knowledge, this variant has not been reported in individuals with SAMD9L-associated conditions. In summary, the evidence currently available is insufficient to determine the clinical significance of this variant. It has therefore been classified as of uncertain significance.

Genetic Services Laboratory, University of Chicago
Classification: Uncertain significance. Last evaluated: 2021-08-09. Review status: criteria provided, single submitter. Criteria: ACMG Guidelines, 2015. Collection method: clinical testing. Allele origin: germline. Affected: no.
Comment: DNA sequence analysis of the SAMD9L gene demonstrated a sequence change, c.2387T>G, in exon 5 that results in an amino acid change, p.Ile796Ser. This sequence change has been described in the gnomAD database with a frequency of 0.1% in the Latino/Admixed American subpopulation (dbSNP rs774643105). The p.Ile796Ser change affects a moderately conserved amino acid residue located in a domain of the SAMD9L protein that is known to be functional. In-silico pathogenicity prediction tools (SIFT, PolyPhen2, Align GVGD, REVEL) provide contradictory results for the p.Ile796Ser substitution. This sequence change does not appear to have been previously described in individuals with SAMD9L-related disorders. Due to insufficient evidences and the lack of functional studies, the clinical significance of the p.Ile796Ser change remains unknown at this time.

Blueprint Genetics
Classification: Likely benign. Last evaluated: 2021-05-11. Review status: criteria provided, single submitter. Criteria: ACMG Guidelines, 2015. Collection method: clinical testing. Allele origin: germline.

New York Genome Center
Classification: Uncertain significance for Ataxia-pancytopenia syndrome. Last evaluated: 2020-07-09. Review status: criteria provided, single submitter. Criteria: NYGC Assertion Criteria 2020. Collection method: clinical testing. Allele origin: germline. Observed: 1 heterozygote. Study: CSER-NYCKidSeq.

NM_152703.5(SAMD9L):c.2387T>G (p.Ile796Ser)

Gene: SAMD9L (sterile alpha motif domain containing 9 like; minus strand). Cytogenetic location: 7q21.2.
Variant type: single nucleotide variant.
Coding change: c.2387T>G on transcript NM_152703.5 (MANE Select); coding-DNA position 2387, T replaced by G.
Protein change: p.Ile796Ser; replaces isoleucine 796 with serine.
Molecular consequence: missense variant.
Genome position (GRCh38, 1-based): chr7:93,133,585, A>C on the plus strand (T>G on the coding strand, the complement: SAMD9L is on the minus strand). VCF-style: chr7-93133585-A-C. GRCh37 (hg19) VCF-style: chr7-92762898-A-C.
Other names: c.2387T>G (NM_152703.2); c.2387T>G, p.Ile796Ser (NM_001303496.3, NM_001303497.3, NM_001303498.3 and 5 more transcripts); short protein forms I796S.
Identifiers: ClinVar variation 1338039 (VCV001338039.15), dbSNP rs774643105, ClinGen allele CA4343597.
Genomic context (GRCh38, chr7:93,133,585, plus strand): 5'-TTTTGTAGAAAGTAGACATTTTCTTGTTCTTCAAAATCATCCACAAGGAGAAGCACAGGA[A>C]TGTAATCCTGATGGCTCTTTGCCCTATAGGTGACCAGATTGATCACTTGCTCTGCAATTT-3'
Protein context (NP_689916.2, residues 786-806): TYRAKSHQDY[Ile796Ser]PVLLLVDDFE